The following is an entry in ClinVar:

NM_001287.6(CLCN7):c.1346C>T (p.Pro449Leu)

Gene: CLCN7 (chloride voltage-gated channel 7; minus strand). Cytogenetic location: 16p13.3.
Variant type: single nucleotide variant.
Coding change: c.1346C>T on transcript NM_001287.6 (MANE Select); coding-DNA position 1346, C replaced by T.
Protein change: p.Pro449Leu; replaces proline 449 with leucine.
Molecular consequence: missense variant.
Genome position (GRCh38, 1-based): chr16:1,452,762, G>A on the plus strand (C>T on the coding strand, the complement: CLCN7 is on the minus strand). VCF-style: chr16-1452762-G-A. GRCh37 (hg19) VCF-style: chr16-1502763-G-A.
Other names: c.1274C>T, p.Pro425Leu (NM_001114331.3); short protein forms P425L, P449L.
Identifiers: ClinVar variation 1482286 (VCV001482286.8), dbSNP rs750628872, ClinGen allele CA7810318.

ClinVar aggregate classification (germline): Uncertain significance (1 of 4 stars; one submission).

gnomAD v4.1: 10 of 1,600,118 alleles (0.00062%); highest among the groups gnomAD compares: South Asian, 0.0022%; no homozygotes.

Submission:

Labcorp Genetics (formerly Invitae), Labcorp
Classification: Uncertain significance. Last evaluated: 2022-09-05. Review status: criteria provided, single submitter. Criteria: Invitae Variant Classification Sherloc (09022015). Collection method: clinical testing. Allele origin: germline.
Comment: This sequence change replaces proline, which is neutral and non-polar, with leucine, which is neutral and non-polar, at codon 449 of the CLCN7 protein (p.Pro449Leu). The frequency data for this variant in the population databases is considered unreliable, as metrics indicate poor data quality at this position in the gnomAD database. This variant has not been reported in the literature in individuals affected with CLCN7-related conditions. ClinVar contains an entry for this variant (Variation ID: 1482286). Advanced modeling of protein sequence and biophysical properties (such as structural, functional, and spatial information, amino acid conservation, physicochemical variation, residue mobility, and thermodynamic stability) performed at Invitae indicates that this missense variant is not expected to disrupt CLCN7 protein function. In summary, the available evidence is currently insufficient to determine the role of this variant in disease. Therefore, it has been classified as a Variant of Uncertain Significance.